The following is an entry in ClinVar:

NM_001324418.2(ADAM22):c.1617G>A (p.Gln539=)

Gene: ADAM22 (ADAM metallopeptidase domain 22; plus strand). Cytogenetic location: 7q21.12.
Variant type: single nucleotide variant.
Coding change: c.1617G>A on transcript NM_001324418.2 (MANE Select); coding-DNA position 1617, G replaced by A.
Protein change: p.Gln539=; no amino-acid change (glutamine 539 retained).
Molecular consequence: synonymous variant.
Genome position (GRCh38, 1-based): chr7:88,151,031, G>A. VCF-style: chr7-88151031-G-A. GRCh37 (hg19) VCF-style: chr7-87780346-G-A.
Other names: NC_000007.13:g.87780346G>A; c.1614G>A, p.Gln538= (NM_001324417.2, NM_001324419.2, NM_001391978.1 and 2 more transcripts); c.1617G>A, p.Gln539= (NM_001324420.2, NM_001324421.2, NM_001391976.1 and 6 more transcripts); c.1668G>A, p.Gln556= (NM_001391975.1, NM_001391980.1); c.1593G>A, p.Gln531= (NM_001391982.1).
Identifiers: ClinVar variation 726770 (VCV000726770.7), dbSNP rs76076875, ClinGen allele CA4330591.
Genomic context (GRCh38, chr7:88,151,031, plus strand): 5'-TTTTTCCTAGTGTGCCCCTAATATTCATAAAATGGATGGATATTCATGTGATGGTGTTCA[G>A]GTAGGTCACTTCATTTTTACCTATGTTTTTCACATGTACCAGCATGAAAGGAATACTGAA-3'
Protein context (NP_001311347.1, residues 529-549): KMDGYSCDGV[Gln539=]GICFGGRCKT

ClinVar aggregate classification (germline): Benign. Review status: criteria provided, multiple submitters, no conflicts (2 of 4 stars). 3 submissions from 3 submitters: Benign (2). 1 of the submissions does not count toward it. Last evaluated 2018-10-10.

Conditions:
ADAM22-related disorder. Also called: ADAM22-related condition.

Allele frequency attached by ClinVar (database versions not stated): gnomAD exomes 0.00052 and 0.00133; ExAC 0.00163; 1000 Genomes Project 0.00379; 1000 Genomes Project 30x 0.00500; gnomAD 0.00520 and 0.00564; TOPMed 0.00625; ESP Exome Variant Server 0.00648.
gnomAD v4.1: 1,591 of 1,613,316 alleles (0.099%); highest among the groups gnomAD compares: African/African-American, 1.9%; 17 homozygotes.

Submissions (4):

Labcorp Genetics (formerly Invitae), Labcorp
Classification: Benign. Last evaluated: 2018-10-10. Review status: criteria provided, single submitter. Criteria: Invitae Variant Classification Sherloc (09022015). Collection method: clinical testing. Allele origin: germline.

Breakthrough Genomics
Classification: Benign. Review status: criteria provided, single submitter. Criteria: ACMG Guidelines, 2015. Collection method: not provided. Allele origin: germline. Inheritance: Autosomal recessive inheritance. Affected: yes.

PreventionGenetics, part of Exact Sciences
Classification: Benign for ADAM22-related condition. Last evaluated: 2019-07-18. Review status: no assertion criteria provided. Collection method: clinical testing. Allele origin: germline. Not counted in ClinVar's aggregate classification.
Comment: This variant is classified as benign based on ACMG/AMP sequence variant interpretation guidelines (Richards et al. 2015 PMID: 25741868, with internal and published modifications).

Dr. Peter K. Rogan Lab, Western University
No classification provided (evidence only). Condition: Acute myeloid leukemia. Review status: no classification provided. Collection method: in vitro. Allele origin: not applicable. Functional consequence: retained intron. Not counted in ClinVar's aggregate classification.